The following is an entry in ClinVar:

ClinVar aggregate classification (germline): Uncertain significance (1 of 4 stars; one submission).

Conditions:
Joubert syndrome 20 (JBTS20). Identifiers: Orphanet 475, MedGen C3554235, MONDO:0013994, OMIM 614970.
Meckel syndrome, type 11 (MKS11). Identifiers: Orphanet 564, MedGen C3809352, MONDO:0014164, OMIM 615397.

Allele frequency attached by ClinVar (database versions not stated): gnomAD exomes below 0.00001; TOPMed 0.00001.
gnomAD v4.1: 1 of 1,391,598 alleles (0.000072%); highest among the groups gnomAD compares: Non-Finnish European, 0.000093%; no homozygotes.

Submission:

Labcorp Genetics (formerly Invitae), Labcorp
Classification: Uncertain significance for Joubert syndrome 20; Meckel syndrome, type 11. Last evaluated: 2022-07-19. Review status: criteria provided, single submitter. Criteria: Invitae Variant Classification Sherloc (09022015). Collection method: clinical testing. Allele origin: germline.
Comment: In summary, the available evidence is currently insufficient to determine the role of this variant in disease. Therefore, it has been classified as a Variant of Uncertain Significance. Algorithms developed to predict the effect of missense changes on protein structure and function are either unavailable or do not agree on the potential impact of this missense change (SIFT: "Deleterious"; PolyPhen-2: "Not Available"; Align-GVGD: "Class C0"). ClinVar contains an entry for this variant (Variation ID: 1461847). This variant has not been reported in the literature in individuals affected with TMEM231-related conditions. This variant is not present in population databases (gnomAD no frequency). This sequence change replaces threonine, which is neutral and polar, with proline, which is neutral and non-polar, at codon 8 of the TMEM231 protein (p.Thr8Pro).

NM_001077418.3(TMEM231):c.-41A>C

Gene: TMEM231 (transmembrane protein 231; minus strand). Cytogenetic location: 16q23.1.
Variant type: single nucleotide variant.
Coding change: c.-41A>C on transcript NM_001077418.3 (MANE Select); 41 bases upstream of the start codon, A replaced by C.
Molecular consequence: 5 prime UTR variant. On other transcripts: missense variant (1), non-coding transcript variant (1).
Genome position (GRCh38, 1-based): chr16:75,556,250, T>G on the plus strand (A>C on the coding strand, the complement: TMEM231 is on the minus strand). VCF-style: chr16-75556250-T-G. GRCh37 (hg19) VCF-style: chr16-75590148-T-G.
Other names: c.22A>C, p.Thr8Pro (NM_001077416.2); short protein forms T8P.
Identifiers: ClinVar variation 1461847 (VCV001461847.6), dbSNP rs765256905, ClinGen allele CA8176336.
Genomic context (GRCh38, chr16:75,556,250, plus strand): 5'-AAGAGCTCATAGAGCGCCATGAGCACCGCTCGCAGGCACTCCGCGAGCCGGGGGACCAAG[T>G]TTGGCTTCTCCTGGTTGCCATCGCCTCGGTCTCCACGGCAACCGACGGCTCACAGAAAGG-3'